The following is an entry in ClinVar:

NM_001261826.3(AP3D1):c.2872C>T (p.Pro958Ser)

Gene: AP3D1 (adaptor related protein complex 3 subunit delta 1; minus strand). Cytogenetic location: 19p13.3.
Variant type: single nucleotide variant.
Coding change: c.2872C>T on transcript NM_001261826.3 (MANE Select); coding-DNA position 2872, C replaced by T.
Protein change: p.Pro958Ser; replaces proline 958 with serine.
Molecular consequence: missense variant.
Genome position (GRCh38, 1-based): chr19:2,111,744, G>A on the plus strand (C>T on the coding strand, the complement: AP3D1 is on the minus strand). VCF-style: chr19-2111744-G-A. GRCh37 (hg19) VCF-style: chr19-2111743-G-A.
Other names: c.2836C>T, p.Pro946Ser (NM_001374799.1); c.2686C>T, p.Pro896Ser (NM_003938.8); short protein forms P896S, P946S, P958S.
Identifiers: ClinVar variation 1932959 (VCV001932959.5), dbSNP rs779572255, ClinGen allele CA9058689.
Genomic context (GRCh38, chr19:2,111,744, plus strand): 5'-GCTGCTCCTCCTCTGGCGCGCCATTCTGCACCGGCTCCCCCGCTGCCTCCTCGCTGCCTG[G>A]AGGCTGCTTCTTGGACTTCTTCTTGCCTTTGGTCCGCTCCTCCTTCTCCTTCCTGTGCTT-3'
Protein context (NP_001248755.1, residues 948-968): KGKKKSKKQP[Pro958Ser]GSEEAAGEPV

ClinVar aggregate classification (germline): Uncertain significance (1 of 4 stars; one submission).

Allele frequency attached by ClinVar (database versions not stated): ExAC 0.00001; gnomAD exomes 0.00001.
gnomAD v4.1: 3 of 1,609,582 alleles (0.00019%); highest among the groups gnomAD compares: East Asian, 0.0067%; no homozygotes.

Submission:

Labcorp Genetics (formerly Invitae), Labcorp
Classification: Uncertain significance. Last evaluated: 2022-10-14. Review status: criteria provided, single submitter. Criteria: Invitae Variant Classification Sherloc (09022015). Collection method: clinical testing. Allele origin: germline.
Comment: This sequence change replaces proline, which is neutral and non-polar, with serine, which is neutral and polar, at codon 958 of the AP3D1 protein (p.Pro958Ser). In summary, the available evidence is currently insufficient to determine the role of this variant in disease. Therefore, it has been classified as a Variant of Uncertain Significance. Algorithms developed to predict the effect of missense changes on protein structure and function (SIFT, PolyPhen-2, Align-GVGD) all suggest that this variant is likely to be tolerated. This variant has not been reported in the literature in individuals affected with AP3D1-related conditions. This variant is present in population databases (rs779572255, gnomAD 0.01%).